The following is an entry in ClinVar:

ClinVar aggregate classification (germline): Uncertain significance (1 of 4 stars; one submission).

Allele frequency attached by ClinVar (database versions not stated): TOPMed below 0.00001.

Submission:

Labcorp Genetics (formerly Invitae), Labcorp
Classification: Uncertain significance. Last evaluated: 2024-06-12. Review status: criteria provided, single submitter. Criteria: Invitae Variant Classification Sherloc (09022015). Collection method: clinical testing. Allele origin: germline.
Comment: This sequence change replaces lysine, which is basic and polar, with glutamic acid, which is acidic and polar, at codon 746 of the MERTK protein (p.Lys746Glu). This variant is not present in population databases (gnomAD no frequency). This variant has not been reported in the literature in individuals affected with MERTK-related conditions. ClinVar contains an entry for this variant (Variation ID: 1522354). Advanced modeling of protein sequence and biophysical properties (such as structural, functional, and spatial information, amino acid conservation, physicochemical variation, residue mobility, and thermodynamic stability) performed at Invitae indicates that this missense variant is expected to disrupt MERTK protein function with a positive predictive value of 80%. In summary, the available evidence is currently insufficient to determine the role of this variant in disease. Therefore, it has been classified as a Variant of Uncertain Significance.

NM_006343.3(MERTK):c.2236A>G (p.Lys746Glu)

Gene: MERTK (MER proto-oncogene, tyrosine kinase; plus strand). Cytogenetic location: 2q13.
Variant type: single nucleotide variant.
Coding change: c.2236A>G on transcript NM_006343.3 (MANE Select); coding-DNA position 2236, A replaced by G.
Protein change: p.Lys746Glu; replaces lysine 746 with glutamic acid.
Molecular consequence: missense variant.
Genome position (GRCh38, 1-based): chr2:112,021,468, A>G. VCF-style: chr2-112021468-A-G. GRCh37 (hg19) VCF-style: chr2-112779045-A-G.
Other names: short protein forms K746E.
Identifiers: ClinVar variation 1522354 (VCV001522354.8), dbSNP rs942512659, ClinGen allele CA53591419.